The following is an entry in ClinVar:

NM_014795.4(ZEB2):c.3036T>G (p.Ser1012Arg)

Gene: ZEB2 (zinc finger E-box binding homeobox 2; minus strand). Cytogenetic location: 2q22.3.
Variant type: single nucleotide variant.
Coding change: c.3036T>G on transcript NM_014795.4 (MANE Select); coding-DNA position 3036, T replaced by G.
Protein change: p.Ser1012Arg; replaces serine 1012 with arginine.
Molecular consequence: missense variant.
Genome position (GRCh38, 1-based): chr2:144,396,443, A>C on the plus strand (T>G on the coding strand, the complement: ZEB2 is on the minus strand). VCF-style: chr2-144396443-A-C. GRCh37 (hg19) VCF-style: chr2-145154010-A-C.
Other names: c.2964T>G, p.Ser988Arg (NM_001171653.2); short protein forms S1012R, S988R.
Identifiers: ClinVar variation 1699659 (VCV001699659.2), dbSNP rs2149875491, ClinGen allele CA348703749.

ClinVar aggregate classification (germline): Uncertain significance (1 of 4 stars; one submission).

Submission:

GeneDx
Classification: Uncertain significance. Last evaluated: 2022-01-26. Review status: criteria provided, single submitter. Criteria: GeneDx Variant Classification Process June 2021. Collection method: clinical testing. Allele origin: germline. Affected: yes.
Comment: Not observed at significant frequency in large population cohorts (gnomAD); In silico analysis supports that this missense variant has a deleterious effect on protein structure/function; Has not been previously published as pathogenic or benign to our knowledge; This variant is associated with the following publications: (PMID: 16053902)